The following is an entry in ClinVar:

ClinVar aggregate classification (germline): Uncertain significance (1 of 4 stars; one submission).

Submission:

Ambry Genetics
Classification: Uncertain significance. Last evaluated: 2024-12-27. Review status: criteria provided, single submitter. Criteria: Ambry Variant Classification Scheme 2023. Collection method: clinical testing. Allele origin: germline.
Comment: The p.G176R variant (also known as c.526G>C), located in coding exon 3 of the GFI1 gene, results from a G to C substitution at nucleotide position 526. The glycine at codon 176 is replaced by arginine, an amino acid with dissimilar properties. This amino acid position is conserved. In addition, this alteration is predicted to be tolerated by in silico analysis. Based on the available evidence, the clinical significance of this variant remains unclear.

NM_005263.5(GFI1):c.526G>C (p.Gly176Arg)

Gene: GFI1 (growth factor independent 1 transcriptional repressor; minus strand). Cytogenetic location: 1p22.1.
Variant type: single nucleotide variant.
Coding change: c.526G>C on transcript NM_005263.5 (MANE Select); coding-DNA position 526, G replaced by C.
Protein change: p.Gly176Arg; replaces glycine 176 with arginine.
Molecular consequence: missense variant.
Genome position (GRCh38, 1-based): chr1:92,480,861, C>G on the plus strand (G>C on the coding strand, the complement: GFI1 is on the minus strand). VCF-style: chr1-92480861-C-G. GRCh37 (hg19) VCF-style: chr1-92946418-C-G.
Other names: c.526G>C, p.Gly176Arg (NM_001127215.3, NM_001127216.3); short protein forms G176R.
Identifiers: ClinVar variation 3853671 (VCV003853671.1).